The following is an entry in ClinVar:

NM_003179.3(SYP):c.593C>T (p.Thr198Ile)

Gene: SYP (synaptophysin; minus strand). Cytogenetic location: Xp11.23.
Variant type: single nucleotide variant.
Coding change: c.593C>T on transcript NM_003179.3 (MANE Select); coding-DNA position 593, C replaced by T.
Protein change: p.Thr198Ile; replaces threonine 198 with isoleucine.
Molecular consequence: missense variant.
Genome position (GRCh38, 1-based): chrX:49,193,294, G>A on the plus strand (C>T on the coding strand, the complement: SYP is on the minus strand). VCF-style: chrX-49193294-G-A. GRCh37 (hg19) VCF-style: chrX-49049751-G-A.
Other names: short protein forms T198I.
Identifiers: ClinVar variation 282601 (VCV000282601.7), dbSNP rs199590018, ClinGen allele CA10409756.

ClinVar aggregate classification (germline): Likely benign. Review status: criteria provided, multiple submitters, no conflicts (2 of 4 stars). 3 submissions from 3 submitters: Likely benign (3). Last evaluated 2025-02-05.

Allele frequency attached by ClinVar (database versions not stated): TOPMed 0.00005; gnomAD 0.00008; gnomAD exomes 0.00011 and 0.00014; 1000 Genomes Project 30x 0.00021; ExAC 0.00023; 1000 Genomes Project 0.00026.
gnomAD v4.1: 131 of 1,210,853 alleles (0.011%); highest among the groups gnomAD compares: Non-Finnish European, 0.014%; no homozygotes.

Submissions (3):

Women's Health and Genetics/Laboratory Corporation of America, LabCorp
Classification: Likely benign. Last evaluated: 2025-02-05. Review status: criteria provided, single submitter. Criteria: LabCorp Variant Classification Summary - May 2015. Collection method: clinical testing. Allele origin: germline.
Comment: Variant summary: SYP c.593C>T (p.Thr198Ile) results in a non-conservative amino acid change in the encoded protein sequence. Three of five in-silico tools predict a benign effect of the variant on protein function. The variant allele was found at a frequency of 0.00011 in 1210853 control chromosomes in the gnomAD database, including 40 homozygotes. This frequency is not significantly higher than estimated for a pathogenic variant in SYP causing Intellectual Disability, X-Linked 96, allowing no conclusion about variant significance. c.593C>T has been reported in the literature in the hemizygous state in at least 1 individual affected with clinical features of SYP-related conditions, however a more severe phenotype than is typical for this gene was noted (example, Harper_2017). These report(s) do not provide unequivocal conclusions about association of the variant with Intellectual Disability, X-Linked 96. At least one publication reports experimental evidence evaluating an impact on protein function in vitro, however, does not allow convincing conclusions about the variant effect (Harper_2017). The following publication has been ascertained in the context of this evaluation (PMID: 28887151). ClinVar contains an entry for this variant (Variation ID: 282601). Based on the evidence outlined above, the variant was classified as likely benign.

Blueprint Genetics
Classification: Likely benign. Last evaluated: 2022-11-28. Review status: criteria provided, single submitter. Criteria: ACMG Guidelines, 2015. Collection method: clinical testing. Allele origin: germline.

Eurofins Ntd Llc (ga)
Classification: Likely benign. Last evaluated: 2015-08-13. Review status: criteria provided, single submitter. Criteria: EGL Classification Definitions 2015. Collection method: clinical testing. Allele origin: germline. Observed: 1 variant allele, 1 hemizygote.

Literature cited by the submitters: PubMed 28887151 (cited by Women's Health and Genetics/Laboratory Corporation of America, LabCorp).